The following is an entry in ClinVar:

ClinVar aggregate classification (germline): Uncertain significance (1 of 4 stars; one submission).

Submission:

Labcorp Genetics (formerly Invitae), Labcorp
Classification: Uncertain significance. Last evaluated: 2022-08-15. Review status: criteria provided, single submitter. Criteria: Invitae Variant Classification Sherloc (09022015). Collection method: clinical testing. Allele origin: germline.
Comment: This sequence change replaces valine, which is neutral and non-polar, with leucine, which is neutral and non-polar, at codon 261 of the SKIV2L protein (p.Val261Leu). This variant is not present in population databases (gnomAD no frequency). This variant has not been reported in the literature in individuals affected with SKIV2L-related conditions. ClinVar contains an entry for this variant (Variation ID: 1011734). Algorithms developed to predict the effect of missense changes on protein structure and function (SIFT, PolyPhen-2, Align-GVGD) all suggest that this variant is likely to be tolerated. In summary, the available evidence is currently insufficient to determine the role of this variant in disease. Therefore, it has been classified as a Variant of Uncertain Significance.

NM_006929.5(SKIC2):c.781G>T (p.Val261Leu)

Gene: SKIC2 (SKI2 subunit of superkiller complex; plus strand). Cytogenetic location: 6p21.33.
Variant type: single nucleotide variant.
Coding change: c.781G>T on transcript NM_006929.5 (MANE Select); coding-DNA position 781, G replaced by T.
Protein change: p.Val261Leu; replaces valine 261 with leucine.
Molecular consequence: missense variant.
Genome position (GRCh38, 1-based): chr6:31,961,378, G>T. VCF-style: chr6-31961378-G-T. GRCh37 (hg19) VCF-style: chr6-31929155-G-T.
Other names: short protein forms V261L.
Identifiers: ClinVar variation 1011734 (VCV001011734.4), dbSNP rs1772479673, ClinGen allele CA363445255.